The following is an entry in ClinVar:

ClinVar aggregate classification (germline): Likely benign (3 of 4 stars; one submission).

Conditions:
Glanzmann thrombasthenia. Also called: PLATELET GLYCOPROTEIN IIb-IIIa DEFICIENCY; BLEEDING DISORDER, PLATELET-TYPE, 2; THROMBASTHENIA OF GLANZMANN AND NAEGELI; Thrombasthenia; Glanzmann's thrombasthenia. Identifiers: Orphanet 849, MedGen C0040015, MONDO:0100326.

Allele frequency attached by ClinVar (database versions not stated): gnomAD exomes below 0.00001.
gnomAD v4.1: 1 of 1,396,352 alleles (0.000072%); highest among the groups gnomAD compares: Non-Finnish European, 0.000098%; no homozygotes.

Submission:

ClinGen Platelet Disorders Variant Curation Expert Panel, ClinGen
Classification: Likely benign for Glanzmann thrombasthenia. Last evaluated: 2025-02-18. Review status: reviewed by expert panel. Criteria: ClinGen Platelet ACMG Specifications v2-1. Collection method: curation. Allele origin: germline. Inheritance: Autosomal recessive inheritance.
Comment: The NM_000419.5 (ITGA2B):c.1211-78A>G intronic variant occurs at a nucleotide that is modestly conserved (phyloP score 0.988) but is not predicted by SpliceAI (or varSEAK) to have an impact splicing (BP4, BP7). It has been reported heterozygous in potential GT patient MB (PMID: 11798398; insufficient to meet any criteria). This variant is absent from gnomAD v2.1.1 (PM2_Supporting). In summary, this variant meets the criteria to be classified as likely benign for autosomal recessive Glanzmann Thrombasthenia based on the ACMG/AMP criteria applied, as specified by the ClinGen PD VCEP: BP4, BP7, PM2_supporting.

NM_000419.5(ITGA2B):c.1211-78A>G

Gene: ITGA2B (integrin subunit alpha 2b; minus strand). Cytogenetic location: 17q21.31.
Variant type: single nucleotide variant.
Coding change: c.1211-78A>G on transcript NM_000419.5 (MANE Select); 78 bases into the intron before coding-DNA position 1211, A replaced by G.
Molecular consequence: intron variant.
Genome position (GRCh38, 1-based): chr17:44,381,139, T>C on the plus strand (A>G on the coding strand, the complement: ITGA2B is on the minus strand). VCF-style: chr17-44381139-T-C. GRCh37 (hg19) VCF-style: chr17-42458507-T-C.
Other names: NM_000419.5:c.1211-78A>G.
Identifiers: ClinVar variation 1879028 (VCV001879028.2), dbSNP rs2510080777, ClinGen allele CA915940720.